The following is an entry in ClinVar:

ClinVar aggregate classification (germline): Benign (1 of 4 stars; one submission).

Conditions:
RASopathy. Also called: rasopathies; Noonan spectrum disorder. Identifiers: Orphanet 536391, MedGen C5555857, MONDO:0021060.

Submission:

GeneDx
Classification: Benign for Rasopathy. Last evaluated: 2014-06-16. Review status: criteria provided, single submitter. Criteria: GeneDx Variant Classification (06012015). Collection method: clinical testing. Allele origin: germline. Affected: yes.
Comment: The variant is found in NOONAN panel(s).

NM_005188.2:c.1228-10insT

Gene: CBL (Cbl proto-oncogene; plus strand). Cytogenetic location: 11q23.3.
Variant type: Insertion.
Identifiers: ClinVar variation 180807 (VCV000180807.1).